The following is an entry in ClinVar:

ClinVar aggregate classification (germline): Uncertain significance (1 of 4 stars; one submission).

Conditions:
Hearing loss, autosomal dominant 74. Also called: DEAFNESS, AUTOSOMAL DOMINANT 74. Identifiers: MedGen C4748334, MONDO:0029137, OMIM 618140.

gnomAD v4.1: 369 of 1,602,208 alleles (0.023%); highest among the groups gnomAD compares: Non-Finnish European, 0.028%; no homozygotes.

Submission:

Laboratory of Prof. Karen Avraham, Tel Aviv University
Classification: Uncertain significance for Hearing loss, autosomal dominant 74. Last evaluated: 2024-12-26. Review status: criteria provided, single submitter. Criteria: ACMG Guidelines, 2015. Collection method: research. Allele origin: germline. Affected: yes. Observed: 1 variant allele.
Comment: The PDE1C c.1083-7T>C heterozygous, predicted deleterious, splice variant is a founder in the Ashkenazi Jewish population.

NM_001191057.4(PDE1C):c.1083-7T>C

Gene: PDE1C (phosphodiesterase 1C; minus strand). Cytogenetic location: 7p14.3.
Variant type: single nucleotide variant.
Coding change: c.1083-7T>C on transcript NM_001191057.4 (MANE Select); 7 bases into the intron before coding-DNA position 1083, T replaced by C.
Molecular consequence: intron variant.
Genome position (GRCh38, 1-based): chr7:31,837,307, A>G on the plus strand (T>C on the coding strand, the complement: PDE1C is on the minus strand). VCF-style: chr7-31837307-A-G. GRCh37 (hg19) VCF-style: chr7-31876921-A-G.
Other names: DFNA74; c.1263-7T>C (NM_001191058.4, NM_001322058.2); c.1083-7T>C (NM_001191059.4, NM_001322055.2, NM_005020.5 and 3 more transcripts); c.1488-7T>C (NM_001322059.2).
Identifiers: ClinVar variation 3393401 (VCV003393401.1).